The following is an entry in ClinVar:

NM_006580.4(CLDN16):c.217+5G>A

Gene: CLDN16 (claudin 16; plus strand). Cytogenetic location: 3q28.
Variant type: single nucleotide variant.
Coding change: c.217+5G>A on transcript NM_006580.4 (MANE Select); 5 bases into the intron after coding-DNA position 217, G replaced by A.
Molecular consequence: intron variant.
Genome position (GRCh38, 1-based): chr3:190,402,444, G>A. VCF-style: chr3-190402444-G-A. GRCh37 (hg19) VCF-style: chr3-190120233-G-A.
Other names: c.217+5G>A (NM_001378492.1, NM_001378493.1).
Identifiers: ClinVar variation 692157 (VCV000692157.11), dbSNP rs751959432, ClinGen allele CA2753790.

ClinVar aggregate classification (germline): Pathogenic/Likely pathogenic. Review status: criteria provided, multiple submitters, no conflicts (2 of 4 stars). 9 submissions from 9 submitters: Pathogenic (2); Likely pathogenic (6). 1 of the submissions does not count toward it. Last evaluated 2025-09-11.

Conditions:
Primary hypomagnesemia (HOMG3). Also called: HYPOMAGNESEMIA 3, RENAL; HYPOMAGNESEMIA, FAMILIAL, WITH HYPERCALCIURIA AND NEPHROCALCINOSIS; HYPOMAGNESEMIA, ISOLATED RENAL; HYPOMAGNESEMIA, PRIMARY, DUE TO DEFECT IN RENAL TUBULAR TRANSPORT OF MAGNESIUM. Identifiers: Orphanet 31043, MedGen C0268448, MONDO:0009550, OMIM 248250.

Allele frequency attached by ClinVar (database versions not stated): ExAC 0.00002; TOPMed 0.00003; gnomAD exomes 0.00002.
gnomAD v4.1: 29 of 1,599,654 alleles (0.0018%); highest among the groups gnomAD compares: Non-Finnish European, 0.0023%; no homozygotes.

Submissions (9):

Mayo Clinic Laboratories, Mayo Clinic
Classification: Likely pathogenic. Last evaluated: 2025-09-11. Review status: criteria provided, single submitter. Criteria: ACMG Guidelines, 2015. Collection method: clinical testing. Allele origin: germline. Observed: 1 variant allele.
Comment: PP3, PM2_supporting, PM3_strong, PS1_moderate

Women's Health and Genetics/Laboratory Corporation of America, LabCorp
Classification: Likely pathogenic for Primary hypomagnesemia. Last evaluated: 2025-07-16. Review status: criteria provided, single submitter. Criteria: LabCorp Variant Classification Summary - May 2015. Collection method: clinical testing. Allele origin: germline.
Comment: Variant summary: CLDN16 c.217+5G>A, also referred to as c.427+5G>A, alters a nucleotide located close to a canonical splice site and therefore could affect mRNA splicing, leading to a significantly altered protein sequence. Several computational tools predict a significant impact on normal splicing: Three predict the variant abolishes a 3' acceptor site. However, these predictions have yet to be confirmed by functional studies. The variant allele was found at a frequency of 1.6e-05 in 251366 control chromosomes. c.217+5G>A has been observed in individuals affected with hypomagnesaemia with hypercalciuria and nephrocalcinosis (e.g. Hanssen_2014, Ashton_2018, Cogal_2021, Huang_2022). These data indicate that the variant is likely to be associated with disease. To our knowledge, no experimental evidence demonstrating an impact on protein function has been reported. The following publications have been ascertained in the context of this evaluation (PMID: 25852890, 34805638, 29398133, 35612621). ClinVar contains an entry for this variant (Variation ID: 692157). Based on the evidence outlined above, the variant was classified as likely pathogenic.

Rare Kidney Stone Consortium and the Mayo Clinic Hyperoxaluria Center, Mayo Clinic
Classification: Pathogenic for Primary hypomagnesemia. Last evaluated: 2025-05-01. Review status: criteria provided, single submitter. Criteria: ACMG Guidelines, 2015. Collection method: research. Allele origin: germline. Affected: yes.
Comment: ACMG: PS1, PM2, PM3,PP3, PP4

homozygote

Labcorp Genetics (formerly Invitae), Labcorp
Classification: Likely pathogenic. Last evaluated: 2025-02-24. Review status: criteria provided, single submitter. Criteria: Invitae Variant Classification Sherloc (09022015). Collection method: clinical testing. Allele origin: germline.
Comment: This sequence change falls in intron 2 of the CLDN16 gene. It does not directly change the encoded amino acid sequence of the CLDN16 protein. It affects a nucleotide within the consensus splice site. This variant is present in population databases (rs751959432, gnomAD 0.004%). This variant has been observed in individual(s) with clinical features of hypomagnesemia with hypercalciuria and nephrocalcinosis (PMID: 25852890, 34805638, 35612621). In at least one individual the data is consistent with being in trans (on the opposite chromosome) from a pathogenic variant. ClinVar contains an entry for this variant (Variation ID: 692157). Variants that disrupt the consensus splice site are a relatively common cause of aberrant splicing (PMID: 17576681, 9536098). Algorithms developed to predict the effect of sequence changes on RNA splicing suggest that this variant may disrupt the consensus splice site. In summary, the currently available evidence indicates that the variant is pathogenic, but additional data are needed to prove that conclusively. Therefore, this variant has been classified as Likely Pathogenic.

Fulgent Genetics
Classification: Pathogenic for Primary hypomagnesemia. Last evaluated: 2024-04-18. Review status: criteria provided, single submitter. Criteria: ACMG Guidelines, 2015. Collection method: clinical testing. Allele origin: germline.

MVZ Medizinische Genetik Mainz
Classification: Likely pathogenic for Primary hypomagnesemia. Last evaluated: 2024-04-04. Review status: criteria provided, single submitter. Criteria: UK Practice Guidelines For Variant Classification V4 01 2020. Collection method: clinical testing. Allele origin: germline. Inheritance: Autosomal recessive inheritance. Affected: yes. Observed: 1 variant allele.
Comment: ACMG Criteria: PM3_STR,PM2_SUP,PP3

Department of Pediatric Nephrology, Wuhan Children's Hospital
Classification: Likely pathogenic for Primary hypomagnesemia. Last evaluated: 2020-08-18. Review status: criteria provided, single submitter. Criteria: ACMG Guidelines, 2015. Collection method: clinical testing. Allele origin: germline. Inheritance: Autosomal recessive inheritance. Affected: yes. Observed: 1 compound heterozygote.
Comment: The other mutation is loss1(exon3).

Juno Genomics, Hangzhou Juno Genomics, Inc
Classification: Likely pathogenic for Primary hypomagnesemia. Review status: criteria provided, single submitter. Criteria: ACMG Guidelines, 2015. Collection method: clinical testing. Allele origin: germline. Affected: yes.
Comment: Absent from controls (or at extremely low frequency if recessive) in Genome Aggregation Database, Exome Sequencing Project, 1000 Genomes Project, or Exome Aggregation Consortium.;Multiple lines of computational evidence support a deleterious effect on the gene or gene product (conservation, evolutionary, splicing impact, etc).;Patient's phenotype or family history is highly specific for a disease with a single genetic etiology.;For recessive disorders, detected in trans with a pathogenic variant.

Department of Medical Genetics, National Institute of Health
Classification: Likely pathogenic for Primary hypomagnesemia. Last evaluated: 2019-10-14. Review status: no assertion criteria provided. Collection method: clinical testing. Allele origin: germline. Inheritance: Autosomal recessive inheritance. Affected: yes. Observed: 1 homozygote. Not counted in ClinVar's aggregate classification.
Comment: This mutation has already been reported in two patients with the same phenotype by two authors (Hanssen O el al. 2014; Belkacemi L et al. 2019).

Literature cited by the submitters: PubMed 25852890 (cited by 5 submitters); PubMed 34805638 (cited by 4 submitters); PubMed 35612621 (cited by 4 submitters); PubMed 29398133 (cited by Women's Health and Genetics/Laboratory Corporation of America, LabCorp); PubMed 17576681 (cited by Labcorp Genetics (formerly Invitae), Labcorp); PubMed 9536098 (cited by Labcorp Genetics (formerly Invitae), Labcorp); PubMed 31479589 (cited by Department of Pediatric Nephrology, Wuhan Children's Hospital).